The following is an entry in ClinVar:

NM_000492.4(CFTR):c.3308T>G (p.Ile1103Arg)

Genes: CFTR (CF transmembrane conductance regulator; plus strand), CFTR-AS2 (CFTR antisense RNA 2; minus strand), LOC111674472 (DNase I hypersensitive sites in introns 16 and 17a of CFTR; plus strand). Cytogenetic location: 7q31.2.
Variant type: single nucleotide variant.
Coding change: c.3308T>G on transcript NM_000492.4 (MANE Select); coding-DNA position 3308, T replaced by G.
Protein change: p.Ile1103Arg; replaces isoleucine 1103 with arginine.
Molecular consequence: missense variant.
Genome position (GRCh38, 1-based): chr7:117,611,749, T>G. VCF-style: chr7-117611749-T-G. GRCh37 (hg19) VCF-style: chr7-117251803-T-G.
Other names: short protein forms I1103R.
Identifiers: ClinVar variation 2567862 (VCV002567862.2), dbSNP rs1161781532, ClinGen allele CA368992476.

ClinVar aggregate classification (germline): Uncertain significance (1 of 4 stars; one submission).

Conditions:
Cystic fibrosis (CF). Also called: MUCOVISCIDOSIS. Identifiers: Orphanet 586, MedGen C0010674, MONDO:0009061, OMIM 219700. Disease mechanism: loss of function.

Submission:

Ambry Genetics
Classification: Uncertain significance for Cystic fibrosis. Last evaluated: 2023-03-18. Review status: criteria provided, single submitter. Criteria: Ambry Variant Classification Scheme 2023. Collection method: clinical testing. Allele origin: germline.
Comment: The p.I1103R variant (also known as c.3308T>G), located in coding exon 20 of the CFTR gene, results from a T to G substitution at nucleotide position 3308. The isoleucine at codon 1103 is replaced by arginine, an amino acid with similar properties. This amino acid position is conserved. In addition, this alteration is predicted to be deleterious by in silico analysis. Since supporting evidence is limited at this time, the clinical significance of this alteration remains unclear.